The following is an entry in ClinVar:

NM_000890.5(KCNJ5):c.925G>A (p.Val309Met)

Gene: KCNJ5 (potassium inwardly rectifying channel subfamily J member 5; plus strand). Cytogenetic location: 11q24.3.
Variant type: single nucleotide variant.
Coding change: c.925G>A on transcript NM_000890.5 (MANE Select); coding-DNA position 925, G replaced by A.
Protein change: p.Val309Met; replaces valine 309 with methionine.
Molecular consequence: missense variant.
Genome position (GRCh38, 1-based): chr11:128,912,198, G>A. VCF-style: chr11-128912198-G-A. GRCh37 (hg19) VCF-style: chr11-128782093-G-A.
Other names: c.925G>A, p.Val309Met (NM_001354169.2); short protein forms V309M.
Identifiers: ClinVar variation 2920107 (VCV002920107.3), dbSNP rs2497725500, ClinGen allele CA383251645.
Genomic context (GRCh38, chr11:128,912,198, plus strand): 5'-ATGTCTCAGGCTCAGCTGCATCAGGAAGAGTTTGAAGTTGTGGTCATTCTAGAAGGGATG[G>A]TGGAAGCCACAGGTAAGGCGCTTTGTCCTCCTCAGCCACAGGTGGCCCTACCTACACTTC-3'
Protein context (NP_000881.3, residues 299-319): FEVVVILEGM[Val309Met]EATGMTCQAR

ClinVar aggregate classification (germline): Uncertain significance (1 of 4 stars; one submission).

Conditions:
Long QT syndrome (LQTS). Identifiers: MedGen C0023976, MeSH D008133, MONDO:0002442. Disease mechanism: loss of function. Inheritance: Various modes of inheritance.

Submission:

Labcorp Genetics (formerly Invitae), Labcorp
Classification: Uncertain significance for Long QT syndrome. Last evaluated: 2024-02-05. Review status: criteria provided, single submitter. Criteria: Invitae Variant Classification Sherloc (09022015). Collection method: clinical testing. Allele origin: germline.
Comment: This sequence change replaces valine, which is neutral and non-polar, with methionine, which is neutral and non-polar, at codon 309 of the KCNJ5 protein (p.Val309Met). This variant is not present in population databases (gnomAD no frequency). This variant has not been reported in the literature in individuals affected with KCNJ5-related conditions. Advanced modeling of protein sequence and biophysical properties (such as structural, functional, and spatial information, amino acid conservation, physicochemical variation, residue mobility, and thermodynamic stability) performed at Invitae indicates that this missense variant is expected to disrupt KCNJ5 protein function with a positive predictive value of 80%. In summary, the available evidence is currently insufficient to determine the role of this variant in disease. Therefore, it has been classified as a Variant of Uncertain Significance.